The following is an entry in ClinVar:

ClinVar aggregate classification (germline): Likely pathogenic (1 of 4 stars; one submission).

Submission:

CeGaT Center for Human Genetics Tuebingen
Classification: Likely pathogenic. Last evaluated: 2023-01-01. Review status: criteria provided, single submitter. Criteria: CeGaT Center For Human Genetics Tuebingen Variant Classification Criteria Version 2. Collection method: clinical testing. Allele origin: germline. Affected: yes. Observed: 1 variant allele.
Comment: PURA: PVS1:Strong, PM2

NM_005859.5(PURA):c.627C>G (p.Tyr209Ter)

Gene: PURA (purine rich element binding protein A; plus strand). Cytogenetic location: 5q31.3.
Variant type: single nucleotide variant.
Coding change: c.627C>G on transcript NM_005859.5 (MANE Select); coding-DNA position 627, C replaced by G.
Protein change: p.Tyr209Ter; replaces tyrosine 209 with a stop codon.
Molecular consequence: nonsense.
Genome position (GRCh38, 1-based): chr5:140,114,808, C>G. VCF-style: chr5-140114808-C-G. GRCh37 (hg19) VCF-style: chr5-139494393-C-G.
Other names: short protein forms Y209*.
Identifiers: ClinVar variation 2498984 (VCV002498984.28), dbSNP rs760506481, ClinGen allele CA361491182.